The following is an entry in ClinVar:

NM_005076.5(CNTN2):c.1790C>T (p.Ser597Phe)

Gene: CNTN2 (contactin 2; plus strand). Cytogenetic location: 1q32.1.
Variant type: single nucleotide variant.
Coding change: c.1790C>T on transcript NM_005076.5 (MANE Select); coding-DNA position 1790, C replaced by T.
Protein change: p.Ser597Phe; replaces serine 597 with phenylalanine.
Molecular consequence: missense variant. On other transcripts: non-coding transcript variant (1).
Genome position (GRCh38, 1-based): chr1:205,065,883, C>T. VCF-style: chr1-205065883-C-T. GRCh37 (hg19) VCF-style: chr1-205035011-C-T.
Other names: c.1790C>T, p.Ser597Phe (NM_001346083.2); short protein forms S597F.
Identifiers: ClinVar variation 1466292 (VCV001466292.6), dbSNP rs1654262980, ClinGen allele CA344375868.
Genomic context (GRCh38, chr1:205,065,883, plus strand): 5'-CCCAGCTGCGCCATGGGGGGAAGTACACGTGCATGGCCCAGACGGTGGTGGACAGCGCGT[C>T]CAAGGAGGCCACAGTCCTGGTCCGAGGTGAGGGGTTTCCCACCTCTACCCCTACCCCAAC-3'
Protein context (NP_005067.1, residues 587-607): CMAQTVVDSA[Ser597Phe]KEATVLVRGP

ClinVar aggregate classification (germline): Uncertain significance (1 of 4 stars; one submission).

Conditions:
Epilepsy, familial adult myoclonic, 5 (EPEO5). Also called: CORTICAL MYOCLONIC TREMOR WITH EPILEPSY, FAMILIAL, 5. Identifiers: Orphanet 86814, MedGen C3809374, MONDO:0014167, OMIM 615400.

Allele frequency attached by ClinVar (database versions not stated): TOPMed below 0.00001.

Submission:

Labcorp Genetics (formerly Invitae), Labcorp
Classification: Uncertain significance for Epilepsy, familial adult myoclonic, 5. Last evaluated: 2021-11-23. Review status: criteria provided, single submitter. Criteria: Invitae Variant Classification Sherloc (09022015). Collection method: clinical testing. Allele origin: germline.
Comment: This sequence change replaces serine, which is neutral and polar, with phenylalanine, which is neutral and non-polar, at codon 597 of the CNTN2 protein (p.Ser597Phe). This variant is not present in population databases (gnomAD no frequency). This variant has not been reported in the literature in individuals affected with CNTN2-related conditions. Advanced modeling of protein sequence and biophysical properties (such as structural, functional, and spatial information, amino acid conservation, physicochemical variation, residue mobility, and thermodynamic stability) performed at Invitae indicates that this missense variant is not expected to disrupt CNTN2 protein function. In summary, the available evidence is currently insufficient to determine the role of this variant in disease. Therefore, it has been classified as a Variant of Uncertain Significance.